The following is an entry in ClinVar:

ClinVar aggregate classification (germline): Uncertain significance. Review status: criteria provided, multiple submitters, no conflicts (2 of 4 stars). 2 submissions from 2 submitters: Uncertain significance (2). Last evaluated 2022-06-27.

Conditions:
Joubert syndrome. Also called: JOUBERT-BOLTSHAUSER SYNDROME; Familial aplasia of the vermis. Identifiers: Orphanet 475, MedGen C5979921, MONDO:0018772.

Allele frequency attached by ClinVar (database versions not stated): TOPMed 0.00002; ESP Exome Variant Server 0.00008.
gnomAD v4.1: 3 of 1,605,336 alleles (0.00019%); highest among the groups gnomAD compares: Non-Finnish European, 0.00026%; no homozygotes.

Submissions (2):

Labcorp Genetics (formerly Invitae), Labcorp
Classification: Uncertain significance for Joubert syndrome. Last evaluated: 2022-06-27. Review status: criteria provided, single submitter. Criteria: Invitae Variant Classification Sherloc (09022015). Collection method: clinical testing. Allele origin: germline.
Comment: In summary, the available evidence is currently insufficient to determine the role of this variant in disease. Therefore, it has been classified as a Variant of Uncertain Significance. Advanced modeling of protein sequence and biophysical properties (such as structural, functional, and spatial information, amino acid conservation, physicochemical variation, residue mobility, and thermodynamic stability) performed at Invitae indicates that this missense variant is not expected to disrupt AHI1 protein function. ClinVar contains an entry for this variant (Variation ID: 1011237). This variant has not been reported in the literature in individuals affected with AHI1-related conditions. This variant is present in population databases (rs371637724, gnomAD 0.0009%). This sequence change replaces arginine, which is basic and polar, with glycine, which is neutral and non-polar, at codon 506 of the AHI1 protein (p.Arg506Gly).

Blueprint Genetics
Classification: Uncertain significance. Last evaluated: 2019-08-30. Review status: criteria provided, single submitter. Criteria: ACMG Guidelines, 2015. Collection method: clinical testing. Allele origin: germline.

NM_001134831.2(AHI1):c.1516C>G (p.Arg506Gly)

Gene: AHI1 (Abelson helper integration site 1; minus strand). Cytogenetic location: 6q23.3.
Variant type: single nucleotide variant.
Coding change: c.1516C>G on transcript NM_001134831.2 (MANE Select); coding-DNA position 1516, C replaced by G.
Protein change: p.Arg506Gly; replaces arginine 506 with glycine.
Molecular consequence: missense variant.
Genome position (GRCh38, 1-based): chr6:135,448,400, G>C on the plus strand (C>G on the coding strand, the complement: AHI1 is on the minus strand). VCF-style: chr6-135448400-G-C. GRCh37 (hg19) VCF-style: chr6-135769538-G-C.
Other names: c.1516C>G, p.Arg506Gly (NM_001134830.2, NM_001134832.2, NM_001350503.2 and 2 more transcripts); short protein forms R506G.
Identifiers: ClinVar variation 1011237 (VCV001011237.8), dbSNP rs371637724, ClinGen allele CA4012576.